The following is an entry in ClinVar:

ClinVar aggregate classification (germline): Uncertain significance (1 of 4 stars; one submission).

Submission:

Labcorp Genetics (formerly Invitae), Labcorp
Classification: Uncertain significance. Last evaluated: 2021-07-15. Review status: criteria provided, single submitter. Criteria: Invitae Variant Classification Sherloc (09022015). Collection method: clinical testing. Allele origin: germline.
Comment: This variant has not been reported in the literature in individuals with ABCA4-related conditions. In summary, the available evidence is currently insufficient to determine the role of this variant in disease. Therefore, it has been classified as a Variant of Uncertain Significance. This variant results in a copy number gain of the genomic region encompassing exons 12-50 of the ABCA4 gene. The 5' boundary is likely confined to intron 11. The 3' end of this event is unknown as it extends beyond the assayed region for this gene and therefore may encompass additional genes. As the precise location of this event is unknown, it may be in tandem or it may be located elsewhere in the genome.

NC_000001.10:g.(?_94458793)_(94528893_?)dup

Gene: ABCA4 (ATP binding cassette subfamily A member 4; minus strand). Cytogenetic location: 1p22.1.
Variant type: Duplication.
Identifiers: ClinVar variation 1409549 (VCV001409549.4).